The following is an entry in ClinVar:

ClinVar aggregate classification (germline): Likely pathogenic (1 of 4 stars; one submission).

Conditions:
Paediatric disorders.

Submission:

North West Genomic Laboratory Hub, Manchester University NHS Foundation Trust
Classification: Likely pathogenic for Paediatric disorders. Last evaluated: 2025-07-30. Review status: criteria provided, single submitter. Criteria: ACGS Best Practice Guidelines for Variant Classification in Rare Disease 2024. Collection method: clinical testing. Allele origin: germline. Affected: yes.
Comment: PS2_Mod PVS1_Mod PM2_Mod

NM_001172509.2(SATB2):c.2032G>T (p.Glu678Ter)

Genes: SATB2 (SATB homeobox 2; minus strand), LOC126806462 (MED14-independent group 3 enhancer GRCh37_chr2:200136608-200137807; plus strand). Cytogenetic location: 2q33.1.
Variant type: single nucleotide variant.
Coding change: c.2032G>T on transcript NM_001172509.2 (MANE Select); coding-DNA position 2032, G replaced by T.
Protein change: p.Glu678Ter; replaces glutamic acid 678 with a stop codon.
Molecular consequence: nonsense.
Genome position (GRCh38, 1-based): chr2:199,272,381, C>A on the plus strand (G>T on the coding strand, the complement: SATB2 is on the minus strand). VCF-style: chr2-199272381-C-A. GRCh37 (hg19) VCF-style: chr2-200137104-C-A.
Other names: c.2032G>T, p.Glu678Ter (NM_001172517.1, NM_015265.4); short protein forms E678*.
Identifiers: ClinVar variation 5020073 (VCV005020073.1).